The following is an entry in ClinVar:

NM_015874.6(RBPJ):c.1370C>G (p.Pro457Arg)

Gene: RBPJ (recombination signal binding protein for immunoglobulin kappa J region; plus strand). Cytogenetic location: 4p15.2.
Variant type: single nucleotide variant.
Coding change: c.1370C>G on transcript NM_015874.6 (MANE Select); coding-DNA position 1370, C replaced by G.
Protein change: p.Pro457Arg; replaces proline 457 with arginine.
Molecular consequence: missense variant.
Genome position (GRCh38, 1-based): chr4:26,430,913, C>G. VCF-style: chr4-26430913-C-G. GRCh37 (hg19) VCF-style: chr4-26432535-C-G.
Other names: c.1409C>G (NM_005349.2); c.1304C>G, p.Pro435Arg (NM_001363577.2, NM_203283.5); c.1409C>G, p.Pro470Arg (NM_001374400.1, NM_005349.4); c.1367C>G, p.Pro456Arg (NM_001374401.1, NM_001374402.1, NM_001374403.1 and 3 more transcripts); c.1253C>G, p.Pro418Arg (NM_001379408.1); c.1208C>G, p.Pro403Arg (NM_001379409.1); short protein forms P403R, P418R, P456R, P470R, P435R, P457R.
Identifiers: ClinVar variation 2170508 (VCV002170508.5), dbSNP rs770028859, ClinGen allele CA2881541.

ClinVar aggregate classification (germline): Conflicting classifications of pathogenicity. Review status: criteria provided, conflicting classifications (1 of 4 stars). 2 submissions from 2 submitters: Uncertain significance (1); Likely benign (1). Last evaluated 2024-07-30.

Conditions:
Inborn genetic diseases. Identifiers: MedGen C0950123, MeSH D030342.

Allele frequency attached by ClinVar (database versions not stated): TOPMed 0.00002; gnomAD 0.00003; ExAC 0.00005.
gnomAD v4.1: 41 of 1,614,048 alleles (0.0025%); highest among the groups gnomAD compares: Middle Eastern, 0.033%; no homozygotes.

Submissions (2):

Ambry Genetics
Classification: Likely benign for Inborn genetic diseases. Last evaluated: 2024-07-30. Review status: criteria provided, single submitter. Criteria: Ambry Variant Classification Scheme 2023. Collection method: clinical testing. Allele origin: germline.

Labcorp Genetics (formerly Invitae), Labcorp
Classification: Uncertain significance. Last evaluated: 2023-06-29. Review status: criteria provided, single submitter. Criteria: Invitae Variant Classification Sherloc (09022015). Collection method: clinical testing. Allele origin: germline.
Comment: This variant has not been reported in the literature in individuals affected with RBPJ-related conditions. ClinVar contains an entry for this variant (Variation ID: 2170508). An algorithm developed to predict the effect of missense changes on protein structure and function (PolyPhen-2) suggests that this variant is likely to be tolerated. In summary, the available evidence is currently insufficient to determine the role of this variant in disease. Therefore, it has been classified as a Variant of Uncertain Significance. This variant is present in population databases (rs770028859, gnomAD 0.02%). This sequence change replaces proline, which is neutral and non-polar, with arginine, which is basic and polar, at codon 470 of the RBPJ protein (p.Pro470Arg).